The following is an entry in ClinVar:

ClinVar aggregate classification (germline): Likely benign. Review status: criteria provided, single submitter (1 of 4 stars). 2 submissions from 2 submitters: Likely benign (1). 1 of the submissions does not count toward it. Last evaluated 2024-07-31.

Conditions:
Niemann-Pick disease, type C2 (NPC2). Identifiers: Orphanet 646, MedGen C1843366, MONDO:0011873, OMIM 607625.
NPC2-related disorder. Also called: NPC2-related condition.

Allele frequency attached by ClinVar (database versions not stated): gnomAD exomes 0.00002 and 0.00009; TOPMed 0.00002; ExAC 0.00003; gnomAD 0.00003 and 0.00004.
gnomAD v4.1: 136 of 1,612,352 alleles (0.0084%); highest among the groups gnomAD compares: Non-Finnish European, 0.011%; no homozygotes.

Submissions (2):

Labcorp Genetics (formerly Invitae), Labcorp
Classification: Likely benign for Niemann-Pick disease, type C2. Last evaluated: 2024-07-31. Review status: criteria provided, single submitter. Criteria: Invitae Variant Classification Sherloc (09022015). Collection method: clinical testing. Allele origin: germline.

PreventionGenetics, part of Exact Sciences
Classification: Likely benign for NPC2-related condition. Last evaluated: 2023-05-25. Review status: no assertion criteria provided. Collection method: clinical testing. Allele origin: germline. Not counted in ClinVar's aggregate classification.
Comment: This variant is classified as likely benign based on ACMG/AMP sequence variant interpretation guidelines (Richards et al. 2015 PMID: 25741868, with internal and published modifications).

NM_006432.5(NPC2):c.57C>T (p.Ala19=)

Gene: NPC2 (NPC intracellular cholesterol transporter 2; minus strand). Cytogenetic location: 14q24.3.
Variant type: single nucleotide variant.
Coding change: c.57C>T on transcript NM_006432.5 (MANE Select); coding-DNA position 57, C replaced by T.
Protein change: p.Ala19=; no amino-acid change (alanine 19 retained).
Molecular consequence: synonymous variant.
Genome position (GRCh38, 1-based): chr14:74,493,218, G>A on the plus strand (C>T on the coding strand, the complement: NPC2 is on the minus strand). VCF-style: chr14-74493218-G-A. GRCh37 (hg19) VCF-style: chr14-74959921-G-A.
Other names: c.57C>T, p.Ala19= (NM_001363688.1, NM_001375440.1).
Identifiers: ClinVar variation 783047 (VCV000783047.12), dbSNP rs752818745, ClinGen allele CA7268213.
Genomic context (GRCh38, chr14:74,493,218, plus strand): 5'-AGGGCGCGGGAACCTTGGGCGGGCCTGGGGCTCACCGCAGTCCTTGAACTGCACCGGTTC[G>A]GCCTGGGCAGCGGTGCTGAGCGCCAGGAGCAGGAATGTAGCTGCCAGGAAACGCATCGCG-3'
Protein context (NP_006423.1, residues 9-29): LLLALSTAAQ[Ala19=]EPVQFKDCGS